The following is an entry in ClinVar:

ClinVar aggregate classification (germline): Uncertain significance. Review status: criteria provided, multiple submitters, no conflicts (2 of 4 stars). 3 submissions from 3 submitters: Uncertain significance (3). Last evaluated 2025-10-03.

Conditions:
Inborn genetic diseases. Identifiers: MedGen C0950123, MeSH D030342.
Acute myeloid leukemia (AML). Also called: Leukemia, acute myeloid, somatic; Leukemia, acute myelogenous, somatic; Acute myeloid leukemia, adult; AML adult; Acute non-lymphocytic leukemia; Acute granulocytic leukemia. Identifiers: Orphanet 519, MedGen C0023467, MeSH D015470, MONDO:0018874, OMIM 601626, HP:0004808. Disease mechanism: Constitutively activated FLT3.

Submissions (3):

Ambry Genetics
Classification: Uncertain significance for Inborn genetic diseases. Last evaluated: 2025-10-03. Review status: criteria provided, single submitter. Criteria: Ambry Variant Classification Scheme 2023. Collection method: clinical testing. Allele origin: germline.
Comment: The c.576_577insTACCCG variant (also known as p.P192_H193insYP), located in coding exon 1 of the CEBPA gene, results from an in-frame TACCCG insertion at nucleotide positions 576 to 577. This results in the insertion of 2 extra residues (YP) between codons 192 and 193. This amino acid region is conserved on limited sequence alignment. In addition, this variant is predicted to be neutral by in silico analysis (Choi Y et al. PLoS ONE. 2012; 7(10):e46688). Based on the available evidence, the clinical significance of this variant remains unclear.

Labcorp Genetics (formerly Invitae), Labcorp
Classification: Uncertain significance for Acute myeloid leukemia. Last evaluated: 2021-02-01. Review status: criteria provided, single submitter. Criteria: Invitae Variant Classification Sherloc (09022015). Collection method: clinical testing. Allele origin: germline.
Comment: In summary, the available evidence is currently insufficient to determine the role of this variant in disease. Therefore, it has been classified as a Variant of Uncertain Significance. Experimental studies and prediction algorithms are not available or were not evaluated for this variant, and the functional significance of the affected amino acid(s) is currently unknown. This variant has not been reported in the literature in individuals with CEBPA-related conditions. ClinVar contains an entry for this variant (Variation ID: 434687). The frequency data for this variant in the population databases is considered unreliable, as metrics indicate insufficient coverage at this position in the ExAC database. This variant, c.576_577insTACCCG, results in the insertion of 2 amino acid(s) to the CEBPA protein (p.Pro192_His193insTyrPro), but otherwise preserves the integrity of the reading frame.

Genetic Services Laboratory, University of Chicago
Classification: Uncertain significance. Last evaluated: 2017-03-10. Review status: criteria provided, single submitter. Criteria: ACMG Guidelines, 2015. Collection method: clinical testing. Allele origin: germline. Affected: no.

NM_004364.5(CEBPA):c.576_577insTACCCG (p.Pro192_His193insTyrPro)

Gene: CEBPA (CCAAT enhancer binding protein alpha; minus strand). Cytogenetic location: 19q13.11.
Variant type: Insertion.
Coding change: c.576_577insTACCCG on transcript NM_004364.5 (MANE Select); coding-DNA positions 576 to 577, TACCCG inserted.
Protein change: p.Pro192_His193insTyrPro.
Molecular consequence: inframe insertion.
Genome position: GRCh38 VCF-style: chr19-33301838-G-GCGGGTA. GRCh37 (hg19) VCF-style: chr19-33792744-G-GCGGGTA.
Other names: c.576_577insTACCCG (NM_004364.3); c.219_220insTACCCG, p.Pro73_His74insTyrPro (NM_001285829.2); c.681_682insTACCCG, p.Pro227_His228insTyrPro (NM_001287424.2); c.534_535insTACCCG, p.Pro178_His179insTyrPro (NM_001287435.2).
Identifiers: ClinVar variation 434687 (VCV000434687.18), dbSNP rs1555742103, ClinGen allele CA645373268.